The following is an entry in ClinVar:

NM_006231.4(POLE):c.2173+11G>A

Gene: POLE (DNA polymerase epsilon, catalytic subunit; minus strand). Cytogenetic location: 12q24.33.
Variant type: single nucleotide variant.
Coding change: c.2173+11G>A on transcript NM_006231.4 (MANE Select); 11 bases into the intron after coding-DNA position 2173, G replaced by A.
Molecular consequence: intron variant.
Genome position (GRCh38, 1-based): chr12:132,668,345, C>T on the plus strand (G>A on the coding strand, the complement: POLE is on the minus strand). VCF-style: chr12-132668345-C-T. GRCh37 (hg19) VCF-style: chr12-133244931-C-T.
Identifiers: ClinVar variation 386847 (VCV000386847.4), dbSNP rs1057522621, ClinGen allele CA16606181.
Genomic context (GRCh38, chr12:132,668,345, plus strand): 5'-CAGCCCAGTAAGAACAGAAAGTGGGAGCAGGAGCCACATCTTTACAGCCGTGACCATGCC[C>T]AGGCACTCACCCGCCAGCCTTCTCTTCTCGTATTTCGCCTGTTCCTCGCGGGACAGTTCA-3'

ClinVar aggregate classification (germline): Likely benign. Review status: criteria provided, multiple submitters, no conflicts (2 of 4 stars). 2 submissions from 2 submitters: Likely benign (2). Last evaluated 2025-10-11.

Submissions (2):

Labcorp Genetics (formerly Invitae), Labcorp
Classification: Likely benign. Last evaluated: 2025-10-11. Review status: criteria provided, single submitter. Criteria: Invitae Variant Classification Sherloc (09022015). Collection method: clinical testing. Allele origin: germline.

GeneDx
Classification: Likely benign. Last evaluated: 2016-06-08. Review status: criteria provided, single submitter. Criteria: GeneDx Variant Classification (06012015). Collection method: clinical testing. Allele origin: germline. Affected: yes.
Comment: This variant is considered likely benign or benign based on one or more of the following criteria: it is a conservative change, it occurs at a poorly conserved position in the protein, it is predicted to be benign by multiple in silico algorithms, and/or has population frequency not consistent with disease.